The following is an entry in ClinVar:

ClinVar aggregate classification (germline): Uncertain significance. Review status: criteria provided, multiple submitters, no conflicts (2 of 4 stars). 2 submissions from 2 submitters: Uncertain significance (2). Last evaluated 2025-08-12.

Conditions:
Microcephaly, normal intelligence and immunodeficiency (NBS). Also called: Ataxia telangiectasia variant V1; IMMUNODEFICIENCY, MICROCEPHALY, AND CHROMOSOMAL INSTABILITY; Immunodeficiency, microcephaly with normal intelligence; BERLIN BREAKAGE SYNDROME; SEEMANOVA SYNDROME II; Nijmegen breakage syndrome. Identifiers: Orphanet 647, MedGen C0398791, MONDO:0009623, OMIM 251260.
Hereditary cancer-predisposing syndrome. Also called: Hereditary neoplastic syndrome; Neoplastic Syndromes, Hereditary; Hereditary Cancer Syndrome; Tumor predisposition. Identifiers: Orphanet 140162, MedGen C0027672, MeSH D009386, MONDO:0015356.

Allele frequency attached by ClinVar (database versions not stated): gnomAD exomes below 0.00001.
gnomAD v4.1: 1 of 1,583,764 alleles (0.000063%); highest among the groups gnomAD compares: East Asian, 0.0022%; no homozygotes.

Submissions (2):

Ambry Genetics
Classification: Uncertain significance for Hereditary cancer-predisposing syndrome. Last evaluated: 2025-08-12. Review status: criteria provided, single submitter. Criteria: Ambry Variant Classification Scheme 2023. Collection method: clinical testing. Allele origin: germline.
Comment: The p.D646N variant (also known as c.1936G>A), located in coding exon 13 of the NBN gene, results from a G to A substitution at nucleotide position 1936. The aspartic acid at codon 646 is replaced by asparagine, an amino acid with highly similar properties. This alteration was observed with an allele frequency of 0.0000 in 53 unselected male breast cancer patients and was observed with an allele frequency of 0.0001 in 12,490 male controls of Japanese ancestry (Momozawa Y et al. Nat Commun, 2018 10;9:4083). This amino acid position is poorly conserved in available vertebrate species. In addition, this alteration is predicted to be tolerated by in silico analysis. Since supporting evidence is limited at this time, the clinical significance of this alteration remains unclear.

Labcorp Genetics (formerly Invitae), Labcorp
Classification: Uncertain significance for Microcephaly, normal intelligence and immunodeficiency. Last evaluated: 2021-08-30. Review status: criteria provided, single submitter. Criteria: Invitae Variant Classification Sherloc (09022015). Collection method: clinical testing. Allele origin: germline.
Comment: This sequence change replaces aspartic acid with asparagine at codon 646 of the NBN protein (p.Asp646Asn). The aspartic acid residue is weakly conserved and there is a small physicochemical difference between aspartic acid and asparagine. This variant is not present in population databases (ExAC no frequency). This variant has not been reported in the literature in individuals affected with NBN-related conditions. Algorithms developed to predict the effect of missense changes on protein structure and function output the following: SIFT: "Tolerated"; PolyPhen-2: "Benign"; Align-GVGD: "Class C0". The asparagine amino acid residue is found in multiple mammalian species, which suggests that this missense change does not adversely affect protein function. In summary, the available evidence is currently insufficient to determine the role of this variant in disease. Therefore, it has been classified as a Variant of Uncertain Significance.

Literature cited by the submitters: PubMed 30287823 (cited by Ambry Genetics).

NM_002485.5(NBN):c.1936G>A (p.Asp646Asn)

Gene: NBN (nibrin; minus strand). Cytogenetic location: 8q21.3.
Variant type: single nucleotide variant.
Coding change: c.1936G>A on transcript NM_002485.5 (MANE Select); coding-DNA position 1936, G replaced by A.
Protein change: p.Asp646Asn; replaces aspartic acid 646 with asparagine.
Molecular consequence: missense variant.
Genome position (GRCh38, 1-based): chr8:89,946,274, C>T on the plus strand (G>A on the coding strand, the complement: NBN is on the minus strand). VCF-style: chr8-89946274-C-T. GRCh37 (hg19) VCF-style: chr8-90958502-C-T.
Other names: c.1690G>A, p.Asp564Asn (NM_001024688.3); short protein forms D564N, D646N.
Identifiers: ClinVar variation 1171579 (VCV001171579.10), dbSNP rs2129649024, ClinGen allele CA371676756.